The following is an entry in ClinVar:

NM_001165963.4(SCN1A):c.4419C>T (p.Phe1473=)

Genes: SCN1A (sodium voltage-gated channel alpha subunit 1; minus strand), LOC102724058 (uncharacterized LOC102724058; plus strand). Cytogenetic location: 2q24.3.
Variant type: single nucleotide variant.
Coding change: c.4419C>T on transcript NM_001165963.4 (MANE Select); coding-DNA position 4419, C replaced by T.
Protein change: p.Phe1473=; no amino-acid change (phenylalanine 1473 retained).
Molecular consequence: synonymous variant. On other transcripts: non-coding transcript variant (1).
Genome position (GRCh38, 1-based): chr2:165,998,095, G>A on the plus strand (C>T on the coding strand, the complement: SCN1A is on the minus strand). VCF-style: chr2-165998095-G-A. GRCh37 (hg19) VCF-style: chr2-166854605-G-A.
Other names: c.4335C>T, p.Phe1445= (NM_001165964.3, NM_001353957.2, NM_001353958.2); c.4419C>T, p.Phe1473= (NM_001202435.3, NM_001353948.2); c.4386C>T, p.Phe1462= (NM_001353949.2, NM_001353950.2, NM_001353951.2 and 2 more transcripts); c.4383C>T, p.Phe1461= (NM_001353954.2, NM_001353955.2); c.4332C>T, p.Phe1444= (NM_001353960.2); c.1977C>T, p.Phe659= (NM_001353961.2).
Identifiers: ClinVar variation 3731276 (VCV003731276.1).

ClinVar aggregate classification (germline): Uncertain significance (1 of 4 stars; one submission).

Conditions:
Generalized epilepsy with febrile seizures plus, type 2 (GEFSP2). Also called: GEFS+, TYPE 2. Identifiers: Orphanet 36387, MedGen C1858673, MONDO:0011461, OMIM 604403.

Submission:

Department of Human Genetics, Hannover Medical School
Classification: Uncertain significance for Generalized epilepsy with febrile seizures plus, type 2. Last evaluated: 2025-02-19. Review status: criteria provided, single submitter. Criteria: ACMG Guidelines, 2015. Collection method: clinical testing. Allele origin: germline. Affected: yes.
Comment: ClinGen SCN1A VCEP: PM2_Supporting